The following is an entry in ClinVar:

NM_004655.4(AXIN2):c.2107A>G (p.Arg703Gly)

Gene: AXIN2 (axin 2; minus strand). Cytogenetic location: 17q24.1.
Variant type: single nucleotide variant.
Coding change: c.2107A>G on transcript NM_004655.4 (MANE Select); coding-DNA position 2107, A replaced by G.
Protein change: p.Arg703Gly; replaces arginine 703 with glycine.
Molecular consequence: missense variant.
Genome position (GRCh38, 1-based): chr17:65,536,354, T>C on the plus strand (A>G on the coding strand, the complement: AXIN2 is on the minus strand). VCF-style: chr17-65536354-T-C. GRCh37 (hg19) VCF-style: chr17-63532472-T-C.
Other names: c.1912A>G, p.Arg638Gly (NM_001363813.1); short protein forms R638G, R703G.
Identifiers: ClinVar variation 2694663 (VCV002694663.3), dbSNP rs2144439614, ClinGen allele CA400675974.

ClinVar aggregate classification (germline): Uncertain significance (1 of 4 stars; one submission).

Conditions:
Oligodontia-cancer predisposition syndrome. Also called: TOOTH AGENESIS-COLORECTAL CANCER SYNDROME. Identifiers: Orphanet 300576, MedGen C1837750, MONDO:0012075, OMIM 608615. Disease mechanism: loss of function.

Allele frequency attached by ClinVar (database versions not stated): gnomAD exomes below 0.00001.
gnomAD v4.1: 2 of 1,613,288 alleles (0.00012%); highest among the groups gnomAD compares: Non-Finnish European, 0.00017%; no homozygotes.

Submission:

Labcorp Genetics (formerly Invitae), Labcorp
Classification: Uncertain significance for Oligodontia-cancer predisposition syndrome. Last evaluated: 2023-11-10. Review status: criteria provided, single submitter. Criteria: Invitae Variant Classification Sherloc (09022015). Collection method: clinical testing. Allele origin: germline.
Comment: This sequence change replaces arginine, which is basic and polar, with glycine, which is neutral and non-polar, at codon 703 of the AXIN2 protein (p.Arg703Gly). This variant is not present in population databases (gnomAD no frequency). This variant has not been reported in the literature in individuals affected with AXIN2-related conditions. Advanced modeling of protein sequence and biophysical properties (such as structural, functional, and spatial information, amino acid conservation, physicochemical variation, residue mobility, and thermodynamic stability) performed at Invitae indicates that this missense variant is expected to disrupt AXIN2 protein function with a positive predictive value of 80%. In summary, the available evidence is currently insufficient to determine the role of this variant in disease. Therefore, it has been classified as a Variant of Uncertain Significance.